The following is an entry in ClinVar:

ClinVar aggregate classification (germline): Pathogenic (1 of 4 stars; one submission).

Conditions:
Rubinstein-Taybi syndrome (RSTS). Identifiers: Orphanet 783, MedGen C0035934, MONDO:0019188.

Submission:

Labcorp Genetics (formerly Invitae), Labcorp
Classification: Pathogenic for Rubinstein-Taybi syndrome. Last evaluated: 2025-06-15. Review status: criteria provided, single submitter. Criteria: Invitae Variant Classification Sherloc (09022015). Collection method: clinical testing. Allele origin: germline.
Comment: This sequence change creates a premature translational stop signal (p.Asn11Trpfs*39) in the CREBBP gene. It is expected to result in an absent or disrupted protein product. Loss-of-function variants in CREBBP are known to be pathogenic (PMID: 17052327, 18792986). This variant is not present in population databases (gnomAD no frequency). This variant has not been reported in the literature in individuals affected with CREBBP-related conditions. For these reasons, this variant has been classified as Pathogenic.

Literature cited by the submitters: PubMed 17052327; PubMed 18792986.

NM_004380.3(CREBBP):c.17_30dup (p.Asn11fs)

Gene: CREBBP (CREB binding lysine acetyltransferase; minus strand). Cytogenetic location: 16p13.3.
Variant type: Duplication.
Coding change: c.17_30dup on transcript NM_004380.3 (MANE Select); coding-DNA positions 17 to 30, 14 bases duplicated (TGGACGGACCGCCC).
Protein change: p.Asn11fs; shifts the reading frame from asparagine 11.
Molecular consequence: frameshift variant.
Genome position (GRCh38, 1-based): chr16:3,879,887-3,879,900, GGGCGGTCCGTCCA duplicated on the plus strand (TGGACGGACCGCCC on the coding strand, the reverse complement: CREBBP is on the minus strand); duplicating any 14 consecutive bases within chr16:3,879,887-3,879,901 gives the same sequence; the c. name uses the placement nearest the transcript's 3' end. VCF-style (leftmost placement, unchanged base first): chr16-3879886-T-TGGGCGGTCCGTCCA. GRCh37 (hg19) VCF-style: chr16-3929887-T-TGGGCGGTCCGTCCA.
Other names: c.17_30dup, p.Asn11fs (NM_001079846.1); short protein forms N11fs.
Identifiers: ClinVar variation 4721477 (VCV004721477.1).